The following is an entry in ClinVar:

ClinVar aggregate classification (germline): Conflicting classifications of pathogenicity. Review status: criteria provided, conflicting classifications (1 of 4 stars). 2 submissions from 2 submitters: Uncertain significance (1); Likely benign (1). Last evaluated 2026-06-08.

Conditions:
SEMA3E-related disorder. Also called: SEMA3E-related condition.
CHARGE syndrome (CHARGE). Also called: CHARGE ASSOCIATION--COLOBOMA, HEART ANOMALY, CHOANAL ATRESIA, RETARDATION, GENITAL AND EAR ANOMALIES; Coloboma, heart anomaly, choanal atresia, retardation, genital and ear anomalies; CHARGE association; Hall-Hittner syndrome; Hittner Hirsch Kreh syndrome. Identifiers: Orphanet 138, MedGen C0265354, MONDO:0008965.

gnomAD v4.1: 84 of 1,613,736 alleles (0.0052%); highest among the groups gnomAD compares: South Asian, 0.092%; 1 homozygote.

Submissions (2):

PreventionGenetics, part of Exact Sciences
Classification: Likely benign for SEMA3E-related condition. Last evaluated: 2026-06-08. Review status: criteria provided, single submitter. Criteria: ACMG Guidelines, 2015. Collection method: clinical testing. Allele origin: germline.
Comment: This variant is classified as likely benign based on ACMG/AMP sequence variant interpretation guidelines (Richards et al. 2015 PMID: 25741868, with internal and published modifications).

Labcorp Genetics (formerly Invitae), Labcorp
Classification: Uncertain significance for CHARGE syndrome. Last evaluated: 2025-06-09. Review status: criteria provided, single submitter. Criteria: Invitae Variant Classification Sherloc (09022015). Collection method: clinical testing. Allele origin: germline.
Comment: This sequence change replaces aspartic acid, which is acidic and polar, with glutamic acid, which is acidic and polar, at codon 736 of the SEMA3E protein (p.Asp736Glu). This variant is present in population databases (rs200621696, gnomAD 0.08%), and has an allele count higher than expected for a pathogenic variant. This variant has not been reported in the literature in individuals affected with SEMA3E-related conditions. ClinVar contains an entry for this variant (Variation ID: 857679). An algorithm developed to predict the effect of missense changes on protein structure and function outputs the following: PolyPhen-2: "Benign". The glutamic acid amino acid residue is found in multiple mammalian species, which suggests that this missense change does not adversely affect protein function. In summary, the available evidence is currently insufficient to determine the role of this variant in disease. Therefore, it has been classified as a Variant of Uncertain Significance.

NM_012431.3(SEMA3E):c.2208T>G (p.Asp736Glu)

Gene: SEMA3E (semaphorin 3E; minus strand). Cytogenetic location: 7q21.11.
Variant type: single nucleotide variant.
Coding change: c.2208T>G on transcript NM_012431.3 (MANE Select); coding-DNA position 2208, T replaced by G.
Protein change: p.Asp736Glu; replaces aspartic acid 736 with glutamic acid.
Molecular consequence: missense variant.
Genome position (GRCh38, 1-based): chr7:83,367,706, A>C on the plus strand (T>G on the coding strand, the complement: SEMA3E is on the minus strand). VCF-style: chr7-83367706-A-C. GRCh37 (hg19) VCF-style: chr7-82997022-A-C.
Other names: c.2028T>G, p.Asp676Glu (NM_001178129.2); short protein forms D676E, D736E.
Identifiers: ClinVar variation 857679 (VCV000857679.8), dbSNP rs200621696, ClinGen allele CA4321808.
Genomic context (GRCh38, chr7:83,367,706, plus strand): 5'-TTCCTGAGGGTTGGCATACTTCCACTTGGAGGGTGACATTTTAAGCTTTTTCCTCTTTCT[A>C]TCTGTGCACCATACTTTCTCGCAGTATTCTTCCACTCTCTGGAAGTTGCTATAACCGATC-3'
Protein context (NP_036563.1, residues 726-746): EEYCEKVWCT[Asp736Glu]RKRKKLKMSP